The following is an entry in ClinVar:

ClinVar aggregate classification (germline): Uncertain significance (1 of 4 stars; one submission).

Conditions:
Brugada syndrome 6 (BRGDA6). Identifiers: Orphanet 130, MedGen C2751089, MONDO:0013145, OMIM 613119.

gnomAD v4.1: 1 of 1,613,820 alleles (0.000062%); highest among the groups gnomAD compares: Admixed American, 0.0017%; no homozygotes.

Submission:

Labcorp Genetics (formerly Invitae), Labcorp
Classification: Uncertain significance for Brugada syndrome 6. Last evaluated: 2021-11-07. Review status: criteria provided, single submitter. Criteria: Invitae Variant Classification Sherloc (09022015). Collection method: clinical testing. Allele origin: germline.
Comment: This sequence change replaces arginine, which is basic and polar, with leucine, which is neutral and non-polar, at codon 53 of the KCNE3 protein (p.Arg53Leu). This variant is present in population databases (no rsID available, gnomAD 0.003%). This variant has not been reported in the literature in individuals affected with KCNE3-related conditions. Algorithms developed to predict the effect of missense changes on protein structure and function (SIFT, PolyPhen-2, Align-GVGD) all suggest that this variant is likely to be disruptive. In summary, the available evidence is currently insufficient to determine the role of this variant in disease. Therefore, it has been classified as a Variant of Uncertain Significance.

NM_005472.5(KCNE3):c.158G>T (p.Arg53Leu)

Gene: KCNE3 (potassium voltage-gated channel subfamily E regulatory subunit 3; minus strand). Cytogenetic location: 11q13.4.
Variant type: single nucleotide variant.
Coding change: c.158G>T on transcript NM_005472.5 (MANE Select); coding-DNA position 158, G replaced by T.
Protein change: p.Arg53Leu; replaces arginine 53 with leucine.
Molecular consequence: missense variant.
Genome position (GRCh38, 1-based): chr11:74,457,406, C>A on the plus strand (G>T on the coding strand, the complement: KCNE3 is on the minus strand). VCF-style: chr11-74457406-C-A. GRCh37 (hg19) VCF-style: chr11-74168451-C-A.
Other names: short protein forms R53L.
Identifiers: ClinVar variation 1402058 (VCV001402058.6), dbSNP rs565287436, ClinGen allele CA381973954.